The following is an entry in ClinVar:

NC_000006.11:g.(?_65622357)_(66417118_?)del

Gene: EYS (eyes shut homolog; minus strand). Cytogenetic location: 6q12.
Variant type: Deletion.
Identifiers: ClinVar variation 3246098 (VCV003246098.1).

ClinVar aggregate classification (germline): Pathogenic (1 of 4 stars; one submission).

Submission:

Labcorp Genetics (formerly Invitae), Labcorp
Classification: Pathogenic. Last evaluated: 2023-10-06. Review status: criteria provided, single submitter. Criteria: Invitae Variant Classification Sherloc (09022015). Collection method: clinical testing. Allele origin: unknown.
Comment: This variant is a gross deletion of the genomic region encompassing exon(s) 1-16 of the EYS gene, which includes the initiator codon. This deletion extends beyond the assayed region for this gene and therefore may encompass additional genes. It is expected to result in an absent or disrupted protein product. Loss-of-function variants in EYS are known to be pathogenic (PMID: 18836446, 20333770). This variant has not been reported in the literature in individuals affected with EYS-related conditions. For these reasons, this variant has been classified as Pathogenic.

Literature cited by the submitters: PubMed 18836446; PubMed 20333770.